The following is an entry in ClinVar:

ClinVar aggregate classification (germline): Uncertain significance (1 of 4 stars; one submission).

Submission:

GeneDx
Classification: Uncertain significance. Last evaluated: 2022-08-09. Review status: criteria provided, single submitter. Criteria: GeneDx Variant Classification Process June 2021. Collection method: clinical testing. Allele origin: germline. Affected: yes.
Comment: Not observed at significant frequency in large population cohorts (gnomAD); In silico analysis supports that this missense variant has a deleterious effect on protein structure/function; Has not been previously published as pathogenic or benign to our knowledge

NM_007118.4(TRIO):c.2580G>C (p.Gln860His)

Gene: TRIO (trio Rho guanine nucleotide exchange factor; plus strand). Cytogenetic location: 5p15.2.
Variant type: single nucleotide variant.
Coding change: c.2580G>C on transcript NM_007118.4 (MANE Select); coding-DNA position 2580, G replaced by C.
Protein change: p.Gln860His; replaces glutamine 860 with histidine.
Molecular consequence: missense variant. On other transcripts: non-coding transcript variant (1).
Genome position (GRCh38, 1-based): chr5:14,363,920, G>C. VCF-style: chr5-14363920-G-C. GRCh37 (hg19) VCF-style: chr5-14364029-G-C.
Other names: short protein forms Q860H.
Identifiers: ClinVar variation 2429496 (VCV002429496.1), dbSNP rs2532648826, ClinGen allele CA359211342.